The following is an entry in ClinVar:

ClinVar aggregate classification (germline): Uncertain significance (1 of 4 stars; one submission).

Conditions:
Inborn genetic diseases. Identifiers: MedGen C0950123, MeSH D030342.

Allele frequency attached by ClinVar (database versions not stated): gnomAD exomes below 0.00001; TOPMed below 0.00001; ExAC 0.00001.
gnomAD v4.1: 5 of 1,613,912 alleles (0.00031%); highest among the groups gnomAD compares: South Asian, 0.0055%; no homozygotes.

Submission:

Ambry Genetics
Classification: Uncertain significance for Inborn genetic diseases. Last evaluated: 2019-08-01. Review status: criteria provided, single submitter. Criteria: Ambry Variant Classification Scheme 2023. Collection method: clinical testing. Allele origin: germline.
Comment: The p.T574S variant (also known as c.1720A>T), located in coding exon 7 of the ANKRD11 gene, results from an A to T substitution at nucleotide position 1720. The threonine at codon 574 is replaced by serine, an amino acid with similar properties. This amino acid position is not well conserved in available vertebrate species, and serine is the reference amino acid in other vertebrate species. In addition, this alteration is predicted to be tolerated by in silico analysis. Since supporting evidence is limited at this time, the clinical significance of this alteration remains unclear.

NM_013275.6(ANKRD11):c.1720A>T (p.Thr574Ser)

Gene: ANKRD11 (ankyrin repeat domain containing 11; minus strand). Cytogenetic location: 16q24.3.
Variant type: single nucleotide variant.
Coding change: c.1720A>T on transcript NM_013275.6 (MANE Select); coding-DNA position 1720, A replaced by T.
Protein change: p.Thr574Ser; replaces threonine 574 with serine.
Molecular consequence: missense variant.
Genome position (GRCh38, 1-based): chr16:89,284,822, T>A on the plus strand (A>T on the coding strand, the complement: ANKRD11 is on the minus strand). VCF-style: chr16-89284822-T-A. GRCh37 (hg19) VCF-style: chr16-89351230-T-A.
Other names: c.1720A>T, p.Thr574Ser (NM_001256182.2, NM_001256183.2); short protein forms T574S.
Identifiers: ClinVar variation 1778749 (VCV001778749.2), dbSNP rs750344473, ClinGen allele CA8242711.
Genomic context (GRCh38, chr16:89,284,822, plus strand): 5'-TCCTCACTGGCTTCAGCGATTCCACACTGGAGCCCTCAGAGGAGTAGTCAGACTCGCTTG[T>A]CAGTCTCGTCCTTGTGGAGTCTGATAAAGAACTGACCTCTGACCAAGCCGGGGAAGAAAT-3'
Protein context (NP_037407.4, residues 564-584): SLSDSTRTRL[Thr574Ser]SESDYSSEGS